The following is an entry in ClinVar:

ClinVar aggregate classification (germline): Likely benign (1 of 4 stars; one submission).

Allele frequency attached by ClinVar (database versions not stated): TOPMed 0.00028; gnomAD 0.00021 and 0.00022.

Submission:

GeneDx
Classification: Likely benign. Last evaluated: 2017-03-22. Review status: criteria provided, single submitter. Criteria: GeneDx Variant Classification (06012015). Collection method: clinical testing. Allele origin: germline. Affected: yes.
Comment: This variant is considered likely benign or benign based on one or more of the following criteria: it is a conservative change, it occurs at a poorly conserved position in the protein, it is predicted to be benign by multiple in silico algorithms, and/or has population frequency not consistent with disease.

NM_004329.3(BMPR1A):c.-268+20G>A

Genes: BMPR1A (bone morphogenetic protein receptor type 1A; plus strand), LOC130004245 (ATAC-STARR-seq lymphoblastoid silent region 2573; plus strand). Cytogenetic location: 10q23.2.
Variant type: single nucleotide variant.
Coding change: c.-268+20G>A on transcript NM_004329.3 (MANE Select); 20 bases into the intron after 268 bases upstream of the start codon, G replaced by A.
Molecular consequence: intron variant.
Genome position (GRCh38, 1-based): chr10:86,756,939, G>A. VCF-style: chr10-86756939-G-A. GRCh37 (hg19) VCF-style: chr10-88516696-G-A.
Identifiers: ClinVar variation 381019 (VCV000381019.1), dbSNP rs896877445, ClinGen allele CA16605701.